The following is an entry in ClinVar:

NM_015378.4(VPS13D):c.170A>T (p.Lys57Ile)

Gene: VPS13D (vacuolar protein sorting 13 homolog D; plus strand). Cytogenetic location: 1p36.22.
Variant type: single nucleotide variant.
Coding change: c.170A>T on transcript NM_015378.4 (MANE Select); coding-DNA position 170, A replaced by T.
Protein change: p.Lys57Ile; replaces lysine 57 with isoleucine.
Molecular consequence: missense variant.
Genome position (GRCh38, 1-based): chr1:12,242,585, A>T. VCF-style: chr1-12242585-A-T. GRCh37 (hg19) VCF-style: chr1-12302642-A-T.
Other names: p.Lys57Ile; c.170A>T (NM_015378.2); c.170A>T, p.Lys57Ile (NM_018156.4); short protein forms K57I.
Identifiers: ClinVar variation 1981034 (VCV001981034.4), dbSNP rs768708131, ClinGen allele CA601134.

ClinVar aggregate classification (germline): Uncertain significance. Review status: criteria provided, multiple submitters, no conflicts (2 of 4 stars). 3 submissions from 3 submitters: Uncertain significance (3). Last evaluated 2026-05-19.

Conditions:
Inborn genetic diseases. Identifiers: MedGen C0950123, MeSH D030342.

Allele frequency attached by ClinVar (database versions not stated): TOPMed 0.00002; ExAC 0.00002; gnomAD 0.00002; gnomAD exomes 0.00001.
gnomAD v4.1: 20 of 1,613,968 alleles (0.0012%); highest among the groups gnomAD compares: Non-Finnish European, 0.0017%; no homozygotes.

Submissions (3):

Ambry Genetics
Classification: Uncertain significance for Inborn genetic diseases. Last evaluated: 2026-05-19. Review status: criteria provided, single submitter. Criteria: Ambry Variant Classification Scheme 2023. Collection method: clinical testing. Allele origin: germline.

Mayo Clinic Laboratories, Mayo Clinic
Classification: Uncertain significance. Last evaluated: 2025-06-02. Review status: criteria provided, single submitter. Criteria: ACMG Guidelines, 2015. Collection method: clinical testing. Allele origin: germline. Observed: 2 variant alleles.
Comment: PP3, PM2_supporting

Labcorp Genetics (formerly Invitae), Labcorp
Classification: Uncertain significance. Last evaluated: 2022-05-23. Review status: criteria provided, single submitter. Criteria: Invitae Variant Classification Sherloc (09022015). Collection method: clinical testing. Allele origin: germline.
Comment: This variant is present in population databases (rs768708131, gnomAD 0.004%). This sequence change replaces lysine, which is basic and polar, with isoleucine, which is neutral and non-polar, at codon 57 of the VPS13D protein (p.Lys57Ile). This variant has not been reported in the literature in individuals affected with VPS13D-related conditions. In summary, the available evidence is currently insufficient to determine the role of this variant in disease. Therefore, it has been classified as a Variant of Uncertain Significance. Algorithms developed to predict the effect of missense changes on protein structure and function are either unavailable or do not agree on the potential impact of this missense change (SIFT: "Deleterious"; PolyPhen-2: "Probably Damaging"; Align-GVGD: "Class C0").